The following is an entry in ClinVar:

ClinVar aggregate classification (germline): Uncertain significance (1 of 4 stars; one submission).

gnomAD v4.1: 4 of 1,607,806 alleles (0.00025%); highest among the groups gnomAD compares: East Asian, 0.0089%; no homozygotes.

Submissions (2):

Labcorp Genetics (formerly Invitae), Labcorp
Classification: Uncertain significance. Last evaluated: 2025-05-26. Review status: criteria provided, single submitter. Criteria: Invitae Variant Classification Sherloc (09022015). Collection method: clinical testing. Allele origin: germline.
Comment: This sequence change falls in intron 2 of the RPS27 gene. It does not directly change the encoded amino acid sequence of the RPS27 protein. It affects a nucleotide within the consensus splice site. This variant is present in population databases (rs764487569, gnomAD 0.02%). This variant has not been reported in the literature in individuals affected with RPS27-related conditions. ClinVar contains an entry for this variant (Variation ID: 3626561). Variants that disrupt the consensus splice site are a relatively common cause of aberrant splicing (PMID: 17576681, 9536098). Algorithms developed to predict the effect of sequence changes on RNA splicing suggest that this variant is not likely to affect RNA splicing. In summary, the available evidence is currently insufficient to determine the role of this variant in disease. Therefore, it has been classified as a Variant of Uncertain Significance.

Dr. Peter K. Rogan Lab, Western University
No classification provided (evidence only). Condition: Malignant tumor of esophagus. Review status: no classification provided. Collection method: in vitro. Allele origin: not applicable. Functional consequence: retained intron. Not counted in ClinVar's aggregate classification.

Literature cited by the submitters: PubMed 17576681 (cited by Labcorp Genetics (formerly Invitae), Labcorp); PubMed 9536098 (cited by Labcorp Genetics (formerly Invitae), Labcorp).

NM_001030.6(RPS27):c.116-3C>T

Genes: RPS27 (ribosomal protein S27; plus strand), LOC126805872 (BRD4-independent group 4 enhancer GRCh37_chr1:153962963-153964162; plus strand). Cytogenetic location: 1q21.3.
Variant type: single nucleotide variant.
Coding change: c.116-3C>T on transcript NM_001030.6 (MANE Select); 3 bases into the intron before coding-DNA position 116, C replaced by T.
Molecular consequence: intron variant.
Genome position (GRCh38, 1-based): chr1:153,991,563, C>T. VCF-style: chr1-153991563-C-T. GRCh37 (hg19) VCF-style: chr1-153964039-C-T.
Other names: c.20-3C>T (NM_001349947.2, NM_001349946.2).
Identifiers: ClinVar variation 3626561 (VCV003626561.3).
Genomic context (GRCh38, chr1:153,991,563, plus strand): 5'-GGGCATAAGTGCAGGAAAGACGGGTGTAATAGAGGAAAAAAATGTTATCTGCTTTTCTTT[C>T]AGGATGCTATAAAATCACCACGGTCTTTAGCCATGCACAAACGGTAGTTTTGTGTGTTGG-3'